The following is an entry in ClinVar:

NM_001039775.4(CRYBG2):c.1632C>A (p.Thr544=)

Gene: CRYBG2 (crystallin beta-gamma domain containing 2; minus strand). Cytogenetic location: 1p36.11.
Variant type: single nucleotide variant.
Coding change: c.1632C>A on transcript NM_001039775.4 (MANE Select); coding-DNA position 1632, C replaced by A.
Protein change: p.Thr544=; no amino-acid change (threonine 544 retained).
Molecular consequence: synonymous variant.
Genome position (GRCh38, 1-based): chr1:26,345,026, G>T on the plus strand (C>A on the coding strand, the complement: CRYBG2 is on the minus strand). VCF-style: chr1-26345026-G-T. GRCh37 (hg19) VCF-style: chr1-26671517-G-T.
Identifiers: ClinVar variation 2638514 (VCV002638514.24), dbSNP rs1028147620, ClinGen allele CA704194.
Genomic context (GRCh38, chr1:26,345,026, plus strand): 5'-CTCCTTCTGGGTGGGGGATGAGGCAGCAGGAGCACCAGGGCCCTTCACAACCTCTTTCCA[G>T]GTGGGAAATGAGGCATCAGGAGCACCGGGGCCCTTCACGACCTCTTTCCAGGTGGGGAAC-3'
Protein context (NP_001034864.2, residues 534-554): GPGAPDASFP[Thr544=]WKEVVKGPGA

ClinVar aggregate classification (germline): Likely benign (1 of 4 stars; one submission).

Allele frequency attached by ClinVar (database versions not stated): gnomAD 0.00081; ExAC 0.00678.
gnomAD v4.1: 716 of 775,520 alleles (0.092%); highest among the groups gnomAD compares: Middle Eastern, 0.15%; 5 homozygotes.

Submission:

CeGaT Center for Human Genetics Tuebingen
Classification: Likely benign. Last evaluated: 2022-11-01. Review status: criteria provided, single submitter. Criteria: CeGaT Center For Human Genetics Tuebingen Variant Classification Criteria Version 2. Collection method: clinical testing. Allele origin: germline. Affected: yes. Observed: 1 variant allele.
Comment: CRYBG2: BP4, BP7